The following is an entry in ClinVar:

NM_022081.6(HPS4):c.838_842del (p.Ser280fs)

Gene: HPS4 (HPS4 biogenesis of lysosomal organelles complex 3 subunit 2; minus strand). Cytogenetic location: 22q12.1.
Variant type: Deletion.
Coding change: c.838_842del on transcript NM_022081.6 (MANE Select); coding-DNA positions 838 to 842, 5 bases deleted (TCAGC; older notation c.838_842delTCAGC).
Protein change: p.Ser280fs; shifts the reading frame from serine 280.
Molecular consequence: frameshift variant. On other transcripts: non-coding transcript variant (8).
Genome position (GRCh38, 1-based): chr22:26,464,788-26,464,792, GCTGA deleted on the plus strand (TCAGC on the coding strand, the reverse complement: HPS4 is on the minus strand). VCF-style (leftmost placement, unchanged base first): chr22-26464787-GGCTGA-G. GRCh37 (hg19) VCF-style: chr22-26860753-GGCTGA-G.
Other names: c.823_827del, p.Ser275fs (NM_152841.2); c.838_842del, p.Ser280fs (NM_001349896.1, NM_001349898.2, NM_001349899.2 and 5 more transcripts); c.892_896del, p.Ser298fs (NM_001349900.2, NM_001349901.1); short protein forms S275fs, S280fs, S298fs.
Identifiers: ClinVar variation 3383360 (VCV003383360.1).

ClinVar aggregate classification (germline): Likely pathogenic (1 of 4 stars; one submission).

Conditions:
Hermansky-Pudlak syndrome 4 (HPS4). Identifiers: Orphanet 231500, Orphanet 79430, MedGen C3484357, MONDO:0013556, OMIM 614073.

Submission:

Diagnostics Services (NGS), CSIR - Centre For Cellular And Molecular Biology
Classification: Likely pathogenic for Hermansky-Pudlak syndrome 4. Last evaluated: 2024-11-08. Review status: criteria provided, single submitter. Criteria: ACMG Guidelines, 2015. Collection method: clinical testing. Allele origin: germline. Affected: yes. Observed: 1 variant allele, 1 homozygote.
Comment: The c.838_842del variant is not present in publicly available population databases like 1000 Genomes, EVS, ExAC, Indian Exome Database or our in-house exome database. The variant present is present in the gnomAD database at a low frequency. This variant has neither been published in literature in individuals with HPS4-related conditions nor reported to the clinical databases like Human Genome Mutation Database (HGMD), ClinVar or OMIM, in any affected individuals. In-silico pathogenicity prediction programs like MutationTaster2, CADD, Varsome, Franklin etc predicted the variant to be likely deleterious. This variant causes frameshift at the 280th amino acid position of the wild-type transcript which creates a premature translational stop signal at the altered transcript that may either result in translation of a truncated protein or cause nonsense mediated decay of the mRNA.